The following is an entry in ClinVar:

ClinVar aggregate classification (germline): Uncertain significance. Review status: criteria provided, multiple submitters, no conflicts (2 of 4 stars). 3 submissions from 3 submitters: Uncertain significance (3). Last evaluated 2025-10-18.

Conditions:
Hereditary cancer-predisposing syndrome. Also called: Neoplastic Syndromes, Hereditary; Hereditary Cancer Syndrome; Hereditary neoplastic syndrome; Tumor predisposition. Identifiers: Orphanet 140162, MedGen C0027672, MeSH D009386, MONDO:0015356.
Neuroblastoma, susceptibility to, 3. Also called: ALK-Related Neuroblastic Tumor Susceptibility. Identifiers: Orphanet 635, MedGen C2751681, MONDO:0013083, OMIM 613014.

Allele frequency attached by ClinVar (database versions not stated): gnomAD exomes below 0.00001 and 0.00001.
gnomAD v4.1: 13 of 1,614,158 alleles (0.00081%); highest among the groups gnomAD compares: African/African-American, 0.0027%; no homozygotes.

Submissions (3):

Labcorp Genetics (formerly Invitae), Labcorp
Classification: Uncertain significance for Neuroblastoma, susceptibility to, 3. Last evaluated: 2025-10-18. Review status: criteria provided, single submitter. Criteria: Invitae Variant Classification Sherloc (09022015). Collection method: clinical testing. Allele origin: germline.
Comment: This sequence change replaces valine, which is neutral and non-polar, with methionine, which is neutral and non-polar, at codon 1476 of the ALK protein (p.Val1476Met). This variant is present in population databases (no rsID available, gnomAD 0.004%). This variant has not been reported in the literature in individuals affected with ALK-related conditions. ClinVar contains an entry for this variant (Variation ID: 847172). An algorithm developed to predict the effect of missense changes on protein structure and function (PolyPhen-2) suggests that this variant is likely to be disruptive. In summary, the available evidence is currently insufficient to determine the role of this variant in disease. Therefore, it has been classified as a Variant of Uncertain Significance.

Ambry Genetics
Classification: Uncertain significance for Hereditary cancer-predisposing syndrome. Last evaluated: 2025-06-27. Review status: criteria provided, single submitter. Criteria: Ambry Variant Classification Scheme 2023. Collection method: clinical testing. Allele origin: germline.
Comment: The p.V1476M variant (also known as c.4426G>A), located in coding exon 29 of the ALK gene, results from a G to A substitution at nucleotide position 4426. The valine at codon 1476 is replaced by methionine, an amino acid with highly similar properties. This amino acid position is not well conserved in available vertebrate species. In addition, this alteration is predicted to be tolerated by in silico analysis. Based on the available evidence, the clinical significance of this variant remains unclear.

GeneDx
Classification: Uncertain significance. Last evaluated: 2024-11-13. Review status: criteria provided, single submitter. Criteria: GeneDx Variant Classification Process June 2021. Collection method: clinical testing. Allele origin: germline. Affected: yes.
Comment: Not observed at significant frequency in large population cohorts (gnomAD); In silico analysis indicates that this missense variant does not alter protein structure/function; Has not been previously published as pathogenic or benign to our knowledge

NM_004304.5(ALK):c.4426G>A (p.Val1476Met)

Gene: ALK (ALK receptor tyrosine kinase; minus strand). Cytogenetic location: 2p23.2.
Variant type: single nucleotide variant.
Coding change: c.4426G>A on transcript NM_004304.5 (MANE Select); coding-DNA position 4426, G replaced by A.
Protein change: p.Val1476Met; replaces valine 1476 with methionine.
Molecular consequence: missense variant.
Genome position (GRCh38, 1-based): chr2:29,193,661, C>T on the plus strand (G>A on the coding strand, the complement: ALK is on the minus strand). VCF-style: chr2-29193661-C-T. GRCh37 (hg19) VCF-style: chr2-29416527-C-T.
Other names: c.1222G>A, p.Val408Met (NM_001353765.2); short protein forms V1476M, V408M.
Identifiers: ClinVar variation 847172 (VCV000847172.13), dbSNP rs1353772576, ClinGen allele CA346462137.